The following is an entry in ClinVar:

ClinVar aggregate classification (germline): Uncertain significance (1 of 4 stars; one submission).

Conditions:
Inborn genetic diseases. Identifiers: MedGen C0950123, MeSH D030342.

Submission:

Ambry Genetics
Classification: Uncertain significance for Inborn genetic diseases. Last evaluated: 2021-09-26. Review status: criteria provided, single submitter. Criteria: Ambry Variant Classification Scheme 2023. Collection method: clinical testing. Allele origin: germline.
Comment: The p.Q75E variant (also known as c.223C>G), located in coding exon 2 of the IDS gene, results from a C to G substitution at nucleotide position 223. The glutamine at codon 75 is replaced by glutamic acid, an amino acid with highly similar properties. This amino acid position is conserved. In addition, this alteration is predicted to be tolerated by in silico analysis. Since supporting evidence is limited at this time, the clinical significance of this alteration remains unclear.

NM_000202.8(IDS):c.223C>G (p.Gln75Glu)

Gene: IDS (iduronate 2-sulfatase; minus strand). Cytogenetic location: Xq28.
Variant type: single nucleotide variant.
Coding change: c.223C>G on transcript NM_000202.8 (MANE Select); coding-DNA position 223, C replaced by G.
Protein change: p.Gln75Glu; replaces glutamine 75 with glutamic acid.
Molecular consequence: missense variant. On other transcripts: 5 prime UTR variant (1), non-coding transcript variant (1).
Genome position (GRCh38, 1-based): chrX:149,504,174, G>C on the plus strand (C>G on the coding strand, the complement: IDS is on the minus strand). VCF-style: chrX-149504174-G-C. GRCh37 (hg19) VCF-style: chrX-148585704-G-C.
Other names: c.-4C>G (NM_001166550.4); c.223C>G, p.Gln75Glu (NM_006123.5); short protein forms Q75E.
Identifiers: ClinVar variation 1788242 (VCV001788242.2), dbSNP rs2089503778, ClinGen allele CA414527237.